The following continues an entry in ClinVar:

NM_024675.4(PALB2):c.196C>T (p.Gln66Ter)

Gene: PALB2. ClinVar aggregate classification (germline): Pathogenic/Likely pathogenic. Pathogenic (15); Likely pathogenic (2).

Submissions 12 to 20 of 20:

Women's Health and Genetics/Laboratory Corporation of America, LabCorp
Classification: Pathogenic for Hereditary breast ovarian cancer syndrome. Last evaluated: 2021-03-04. Review status: criteria provided, single submitter. Criteria: LabCorp Variant Classification Summary - May 2015. Collection method: clinical testing. Allele origin: germline.
Comment: Variant summary: PALB2 c.196C>T (p.Gln66X) results in a premature termination codon, predicted to cause a truncation of the encoded protein or absence of the protein due to nonsense mediated decay, which are commonly known mechanisms for disease. Truncations downstream of this position have been classified as pathogenic by our laboratory. The variant allele was found at a frequency of 8e-06 in 251474 control chromosomes. c.196C>T has been reported in the literature in multiple individuals affected with Hereditary Breast And Ovarian Cancer Syndrome (e.g. Casadei_2011, Wong_2011, Nguyen-Dumont_2013, Thompson_2015). These data indicate that the variant is very likely to be associated with disease. To our knowledge, no experimental evidence demonstrating an impact on protein function has been reported. 12 other ClinVar submitters (evaluation after 2014) have cited the variant as pathogenic/likely pathogenic. Based on the evidence outlined above, the variant was classified as pathogenic.

Institute of Medical Genetics and Applied Genomics, University Hospital Tübingen
Classification: Pathogenic. Last evaluated: 2020-10-23. Review status: criteria provided, single submitter. Criteria: ACMG Guidelines, 2015. Collection method: clinical testing. Allele origin: germline. Inheritance: Autosomal unknown. Affected: yes.

CHEO Genetics Diagnostic Laboratory, Children's Hospital of Eastern Ontario
Classification: Pathogenic for Breast and/or ovarian cancer. Last evaluated: 2020-02-21. Review status: criteria provided, single submitter. Criteria: ACMG Guidelines, 2015. Collection method: clinical testing. Allele origin: germline.

Knight Diagnostic Laboratories, Oregon Health and Sciences University
Classification: Pathogenic for Hereditary cancer-predisposing syndrome. Last evaluated: 2019-04-24. Review status: criteria provided, single submitter. Criteria: ACMG Guidelines, 2015. Collection method: clinical testing. Allele origin: germline. Observed: 1 variant allele.

Institute of Human Genetics, University of Leipzig Medical Center
Classification: Pathogenic for Familial cancer of breast. Last evaluated: 2019-01-01. Review status: criteria provided, single submitter. Criteria: ACMG Guidelines, 2015. Collection method: clinical testing. Allele origin: unknown. Affected: yes.

Cancer Genetics Laboratory, Peter MacCallum Cancer Centre
Classification: Likely pathogenic for Familial cancer of breast. Last evaluated: 2015-06-01. Review status: criteria provided, single submitter. Criteria: Thompson et al. (Breast Cancer Res. 2015). Collection method: case-control. Allele origin: germline. Affected: yes. Observed: 2 variant alleles, 2 heterozygotes.

Leiden Open Variation Database
Classification: Pathogenic for Familial cancer of breast. Last evaluated: 2019-05-13. Review status: no assertion criteria provided. Collection method: curation. Allele origin: germline. Affected: yes. Not counted in ClinVar's aggregate classification.
Comment: Curators: Marc Tischkowitz, Arleen D. Auerbach. Submitter to LOVD: Marc Tischkowitz.

True Health Diagnostics
Classification: Pathogenic for Hereditary cancer-predisposing syndrome. Last evaluated: 2018-04-09. Review status: no assertion criteria provided. Collection method: clinical testing. Allele origin: germline. Not counted in ClinVar's aggregate classification.

Counsyl
Classification: Likely pathogenic for Familial cancer of breast. Last evaluated: 2015-12-07. Review status: no assertion criteria provided. Collection method: clinical testing. Allele origin: unknown. Not counted in ClinVar's aggregate classification.

Literature cited by the submitters: PubMed 17200668 (cited by Labcorp Genetics (formerly Invitae), Labcorp); PubMed 17200671 (cited by Labcorp Genetics (formerly Invitae), Labcorp); PubMed 17200672 (cited by Labcorp Genetics (formerly Invitae), Labcorp); PubMed 24136930 (cited by Labcorp Genetics (formerly Invitae), Labcorp); PubMed 25099575 (cited by 5 submitters); PubMed 21285249 (cited by 8 submitters); PubMed 21409391 (cited by 8 submitters); PubMed 23448497 (cited by 8 submitters); PubMed 26534844 (cited by 4 submitters); PubMed 33471991 (cited by 3 submitters); PubMed 23787919 (cited by Color Diagnostics, LLC DBA Color Health); PubMed 24206657 (cited by 5 submitters); PubMed 26786923 (cited by 4 submitters); PubMed 27878467 (cited by 3 submitters); PubMed 34113003 (cited by 3 submitters); PubMed 26283626 (cited by 4 submitters); PubMed 28779002 (cited by Quest Diagnostics Nichols Institute San Juan Capistrano); PubMed 25525159 (cited by Quest Diagnostics Nichols Institute San Juan Capistrano and Counsyl); PubMed 29922827 (cited by Women's Health and Genetics/Laboratory Corporation of America, LabCorp).